The following is an entry in ClinVar:

NM_016151.4(TAOK2):c.2240C>T (p.Ala747Val)

Gene: TAOK2 (TAO kinase 2; plus strand). Cytogenetic location: 16p11.2.
Variant type: single nucleotide variant.
Coding change: c.2240C>T on transcript NM_016151.4 (MANE Select); coding-DNA position 2240, C replaced by T.
Protein change: p.Ala747Val; replaces alanine 747 with valine.
Molecular consequence: missense variant. On other transcripts: intron variant (2).
Genome position (GRCh38, 1-based): chr16:29,986,512, C>T. VCF-style: chr16-29986512-C-T. GRCh37 (hg19) VCF-style: chr16-29997833-C-T.
Other names: c.2232+8C>T (NM_004783.4, NM_001252043.2); c.2240C>T (NM_016151.2); short protein forms A747V.
Identifiers: ClinVar variation 1367874 (VCV001367874.7), dbSNP rs978611776, ClinGen allele CA280398549.

ClinVar aggregate classification (germline): Uncertain significance. Review status: criteria provided, multiple submitters, no conflicts (2 of 4 stars). 2 submissions from 2 submitters: Uncertain significance (2). Last evaluated 2024-06-22.

Allele frequency attached by ClinVar (database versions not stated): gnomAD 0.00001; gnomAD exomes 0.00001; TOPMed 0.00002.
gnomAD v4.1: 10 of 1,610,548 alleles (0.00062%); highest among the groups gnomAD compares: Admixed American, 0.0067%; no homozygotes.

Submissions (2):

Labcorp Genetics (formerly Invitae), Labcorp
Classification: Uncertain significance. Last evaluated: 2024-06-22. Review status: criteria provided, single submitter. Criteria: Invitae Variant Classification Sherloc (09022015). Collection method: clinical testing. Allele origin: germline.
Comment: This sequence change replaces alanine, which is neutral and non-polar, with valine, which is neutral and non-polar, at codon 747 of the TAOK2 protein (p.Ala747Val). This variant is present in population databases (no rsID available, gnomAD 0.006%). This variant has not been reported in the literature in individuals affected with TAOK2-related conditions. ClinVar contains an entry for this variant (Variation ID: 1367874). An algorithm developed to predict the effect of missense changes on protein structure and function (PolyPhen-2) suggests that this variant is likely to be tolerated. In summary, the available evidence is currently insufficient to determine the role of this variant in disease. Therefore, it has been classified as a Variant of Uncertain Significance.

Ambry Genetics
Classification: Uncertain significance. Last evaluated: 2022-11-18. Review status: criteria provided, single submitter. Criteria: Ambry Variant Classification Scheme 2023. Collection method: clinical testing. Allele origin: germline.